The following is an entry in ClinVar:

ClinVar aggregate classification (germline): Conflicting classifications of pathogenicity. Review status: criteria provided, conflicting classifications (1 of 4 stars). 8 submissions from 8 submitters: Uncertain significance (6); Benign (1). 1 of the submissions does not count toward it. Last evaluated 2025-12-24.

Conditions:
Hereditary cancer-predisposing syndrome. Also called: Hereditary Cancer Syndrome; Neoplastic Syndromes, Hereditary; Tumor predisposition; Hereditary neoplastic syndrome. Identifiers: Orphanet 140162, MedGen C0027672, MeSH D009386, MONDO:0015356.
Ataxia-telangiectasia syndrome (AT). Also called: Ataxia-telangiectasia, complementation group D; AT, COMPLEMENTATION GROUP C; ATAXIA-TELANGIECTASIA, COMPLEMENTATION GROUP A; ATAXIA-TELANGIECTASIA, FRESNO VARIANT; Ataxia-telangiectasia; LOUIS-BAR SYNDROME. Identifiers: Orphanet 100, MedGen C0004135, MONDO:0008840, OMIM 208900.

Allele frequency attached by ClinVar (database versions not stated): TOPMed below 0.00001; ExAC 0.00001; gnomAD 0.00001 and 0.00002; gnomAD exomes 0.00001.
gnomAD v4.1: 14 of 1,608,004 alleles (0.00087%); highest among the groups gnomAD compares: Middle Eastern, 0.016%; no homozygotes.

Submissions (8):

Labcorp Genetics (formerly Invitae), Labcorp
Classification: Uncertain significance for Ataxia-telangiectasia syndrome. Last evaluated: 2025-12-24. Review status: criteria provided, single submitter. Criteria: Invitae Variant Classification Sherloc (09022015). Collection method: clinical testing. Allele origin: germline.
Comment: This sequence change replaces histidine, which is basic and polar, with arginine, which is basic and polar, at codon 1136 of the ATM protein (p.His1136Arg). This variant is present in population databases (rs768490475, gnomAD 0.0008%). This missense change has been observed in individual(s) with breast cancer (PMID: 28652578, 28779002, 35264596). ClinVar contains an entry for this variant (Variation ID: 187143). Invitae Evidence Modeling of protein sequence and biophysical properties (such as structural, functional, and spatial information, amino acid conservation, physicochemical variation, residue mobility, and thermodynamic stability) indicates that this missense variant is not expected to disrupt ATM protein function with a negative predictive value of 95%. In summary, the available evidence is currently insufficient to determine the role of this variant in disease. Therefore, it has been classified as a Variant of Uncertain Significance.

Color Diagnostics, LLC DBA Color Health
Classification: Uncertain significance for Hereditary cancer-predisposing syndrome. Last evaluated: 2025-11-06. Review status: criteria provided, single submitter. Criteria: ACMG Guidelines, 2015. Collection method: clinical testing. Allele origin: germline.
Comment: This missense variant replaces histidine with arginine at codon 1136 of the ATM protein. Computational prediction suggests that this variant may not impact protein structure and function. To our knowledge, functional studies have not been reported for this variant. This variant has been reported in individuals affected with breast cancer in the literature (PMID: 28779002, 35264596). This variant has been identified in 2/31382 chromosomes in the general population by the Genome Aggregation Database (gnomAD). The available evidence is insufficient to determine the role of this variant in disease conclusively. Therefore, this variant is classified as a Variant of Uncertain Significance.

Ambry Genetics
Classification: Benign for Hereditary cancer-predisposing syndrome. Last evaluated: 2025-10-27. Review status: criteria provided, single submitter. Criteria: Ambry Variant Classification Scheme 2023. Collection method: clinical testing. Allele origin: germline.

Quest Diagnostics Nichols Institute San Juan Capistrano
Classification: Uncertain significance. Last evaluated: 2025-09-10. Review status: criteria provided, single submitter. Criteria: Quest Diagnostics criteria. Collection method: clinical testing. Allele origin: unknown.

Women's Health and Genetics/Laboratory Corporation of America, LabCorp
Classification: Uncertain significance. Last evaluated: 2022-11-17. Review status: criteria provided, single submitter. Criteria: LabCorp Variant Classification Summary - May 2015. Collection method: clinical testing. Allele origin: germline.
Comment: Variant summary: ATM c.3407A>G (p.His1136Arg) results in a non-conservative amino acid change in the encoded protein sequence. Four of five in-silico tools predict a benign effect of the variant on protein function. The variant was absent in 250146 control chromosomes. The available data on variant occurrences in the general population are insufficient to allow any conclusion about variant significance. The variant, c.3407A>G, has been reported in the literature in individuals affected with Chronic Lymphocytic Leukemia (Tiao_2017) and in a breast cancer cohort (Decker_2017). These reports do not provide unequivocal conclusions about association of the variant with Ataxia-Telangiectasia. To our knowledge, no experimental evidence demonstrating an impact on protein function has been reported. Five clinical diagnostic laboratories have submitted clinical-significance assessments for this variant to ClinVar after 2014 without evidence for independent evaluation. All laboratories classified the variant as uncertain significance. Based on the evidence outlined above, the variant was classified as uncertain significance.

GeneDx
Classification: Uncertain significance. Last evaluated: 2021-03-17. Review status: criteria provided, single submitter. Criteria: GeneDx Variant Classification Process June 2021. Collection method: clinical testing. Allele origin: germline. Affected: yes.
Comment: In silico analysis supports that this missense variant does not alter protein structure/function; Observed in an individual with breast cancer (Decker 2017); This variant is associated with the following publications: (PMID: 28779002)

Mendelics
Classification: Uncertain significance for Ataxia-telangiectasia syndrome. Last evaluated: 2018-07-02. Review status: criteria provided, single submitter. Criteria: Mendelics Assertion Criteria 2017. Collection method: clinical testing. Allele origin: unknown.

Counsyl
Classification: Uncertain significance for Ataxia-telangiectasia syndrome. Last evaluated: 2017-03-03. Review status: no assertion criteria provided. Collection method: clinical testing. Allele origin: unknown. Not counted in ClinVar's aggregate classification.

Literature cited by the submitters: PubMed 28652578 (cited by 3 submitters); PubMed 28779002 (cited by 4 submitters); PubMed 35264596 (cited by Labcorp Genetics (formerly Invitae), Labcorp and Color Diagnostics, LLC DBA Color Health); PubMed 40580951 (cited by Ambry Genetics).

NM_000051.4(ATM):c.3407A>G (p.His1136Arg)

Gene: ATM (ATM serine/threonine kinase; plus strand). Cytogenetic location: 11q22.3.
Variant type: single nucleotide variant.
Coding change: c.3407A>G on transcript NM_000051.4 (MANE Select); coding-DNA position 3407, A replaced by G.
Protein change: p.His1136Arg; replaces histidine 1136 with arginine.
Molecular consequence: missense variant.
Genome position (GRCh38, 1-based): chr11:108,280,999, A>G. VCF-style: chr11-108280999-A-G. GRCh37 (hg19) VCF-style: chr11-108151726-A-G.
Other names: c.3407A>G, p.His1136Arg (NM_001351834.2); short protein forms H1136R.
Identifiers: ClinVar variation 187143 (VCV000187143.23), dbSNP rs768490475, ClinGen allele CA196840.